The following is an entry in ClinVar:

NM_013447.4(ADGRE2):c.654C>T (p.Ser218=)

Gene: ADGRE2 (adhesion G protein-coupled receptor E2; minus strand). Cytogenetic location: 19p13.12.
Variant type: single nucleotide variant.
Coding change: c.654C>T on transcript NM_013447.4 (MANE Select); coding-DNA position 654, C replaced by T.
Protein change: p.Ser218=; no amino-acid change (serine 218 retained).
Molecular consequence: synonymous variant.
Genome position (GRCh38, 1-based): chr19:14,765,785, G>A on the plus strand (C>T on the coding strand, the complement: ADGRE2 is on the minus strand). VCF-style: chr19-14765785-G-A. GRCh37 (hg19) VCF-style: chr19-14876597-G-A.
Other names: c.654C>T, p.Ser218= (NM_001271052.1); c.507C>T, p.Ser169= (NM_152916.2); c.375C>T, p.Ser125= (NM_152917.2).
Identifiers: ClinVar variation 3035633 (VCV003035633.3), dbSNP rs761109857, ClinGen allele CA9258002.

ClinVar aggregate classification (germline): Likely benign. Review status: criteria provided, single submitter (1 of 4 stars). 2 submissions from 2 submitters: Likely benign (1). 1 of the submissions does not count toward it. Last evaluated 2024-11-13.

Conditions:
ADGRE2-related disorder. Also called: ADGRE2-related condition.

Allele frequency attached by ClinVar (database versions not stated): ExAC 0.00110.

Submissions (2):

Blueprint Genetics
Classification: Likely benign. Last evaluated: 2024-11-13. Review status: criteria provided, single submitter. Criteria: ACMG Guidelines, 2015. Collection method: clinical testing. Allele origin: germline.

PreventionGenetics, part of Exact Sciences
Classification: Likely benign for ADGRE2-related condition. Last evaluated: 2019-12-23. Review status: no assertion criteria provided. Collection method: clinical testing. Allele origin: germline. Not counted in ClinVar's aggregate classification.
Comment: This variant is classified as likely benign based on ACMG/AMP sequence variant interpretation guidelines (Richards et al. 2015 PMID: 25741868, with internal and published modifications).